The following is an entry in ClinVar:

NM_007294.4(BRCA1):c.2645G>C (p.Cys882Ser)

Gene: BRCA1 (BRCA1 DNA repair associated; minus strand). Cytogenetic location: 17q21.31.
Variant type: single nucleotide variant.
Coding change: c.2645G>C on transcript NM_007294.4 (MANE Select); coding-DNA position 2645, G replaced by C.
Protein change: p.Cys882Ser; replaces cysteine 882 with serine.
Molecular consequence: missense variant. On other transcripts: intron variant (137).
Genome position (GRCh38, 1-based): chr17:43,092,886, C>G on the plus strand (G>C on the coding strand, the complement: BRCA1 is on the minus strand). VCF-style: chr17-43092886-C-G. GRCh37 (hg19) VCF-style: chr17-41244903-C-G.
Other names: c.662-1854G>C (NM_001408447.1, NM_001408433.1, NM_001408446.1 and 6 more transcripts); c.785-1854G>C (NM_001408400.1, NM_001408392.1, NM_001407986.1 and 13 more transcripts); c.665-1854G>C (NM_001408441.1, NM_001408437.1, NM_001408429.1 and 12 more transcripts); c.788-1854G>C (NM_001407979.1, NM_001407977.1, NM_001407982.1 and 17 more transcripts); c.647-1854G>C (NM_001408410.1, NM_001408458.1, NM_001408469.1 and 11 more transcripts); c.710-1854G>C (NM_001408415.1, NM_001408412.1, NM_001408409.1 and 2 more transcripts); c.578-1854G>C (NM_001408483.1, NM_001408481.1, NM_001408480.1 and 9 more transcripts); c.2642G>C, p.Cys881Ser (NM_001407613.1, NM_001407614.1, NM_001407615.1 and 22 more transcripts); and 41 more; short protein forms C586S, C714S, C754S, C755S, C770S, C771S, C793S, C794S.
Identifiers: ClinVar variation 4856559 (VCV004856559.1).
Genomic context (GRCh38, chr17:43,092,886, plus strand): 5'-TCAAAAGTGACTTTTGGACTTTGTTTCTTTAAGGACCCAGAGTGGGCAGAGAATGTTGCA[C>G]ATTCCTCTTCTGCATTTCCTGGATTTGAAAACGGAGCAAATGACTGGCGCTTTGAAACCT-3'
Protein context (NP_009225.1, residues 872-892): FSNPGNAEEE[Cys882Ser]ATFSAHSGSL

ClinVar aggregate classification (germline): Likely benign (1 of 4 stars; one submission).

Conditions:
Breast-ovarian cancer, familial, susceptibility to, 1 (BROVCA1). Also called: OVARIAN CANCER, SUSCEPTIBILITY TO; BRCA1 Hereditary Breast and Ovarian Cancer. Identifiers: Orphanet 145, MedGen C2676676, MONDO:0011450, OMIM 604370. Disease mechanism: loss of function.

gnomAD v4.1: 1 of 1,613,924 alleles (0.000062%); highest among the groups gnomAD compares: South Asian, 0.0011%; no homozygotes.

Submission:

Cancer Bioinformatics and Tumour Evolution Laboratory, Monash University
Classification: Likely benign for Breast-ovarian cancer, familial, susceptibility to, 1. Last evaluated: 2026-05-01. Review status: criteria provided, single submitter. Criteria: ClinGen BRCA1 and BRCA2 Guidelines, 2024. Collection method: curation. Allele origin: germline. Inheritance: Autosomal dominant inheritance.
Comment: Missense variant outside of a functional domain with no splice impact. BRCA1 and BRCA2 VCEP guidelines recommend application of BP1_Strong (PMID: 39142283)